The following is an entry in ClinVar:

ClinVar aggregate classification (germline): Uncertain significance (1 of 4 stars; one submission).

Conditions:
Hypertrophic cardiomyopathy. Also called: HYPERTROPHIC MYOCARDIOPATHY. Identifiers: Orphanet 217569, MedGen C0007194, MeSH D002312, MONDO:0005045, HP:0001639.

gnomAD v4.1: 1 of 1,613,846 alleles (0.000062%); highest among the groups gnomAD compares: East Asian, 0.0022%; no homozygotes.

Submission:

Labcorp Genetics (formerly Invitae), Labcorp
Classification: Uncertain significance for Hypertrophic cardiomyopathy. Last evaluated: 2025-05-01. Review status: criteria provided, single submitter. Criteria: Invitae Variant Classification Sherloc (09022015). Collection method: clinical testing. Allele origin: germline.
Comment: This sequence change replaces alanine, which is neutral and non-polar, with glycine, which is neutral and non-polar, at codon 828 of the MYOM1 protein (p.Ala828Gly). This variant is not present in population databases (gnomAD no frequency). This variant has not been reported in the literature in individuals affected with MYOM1-related conditions. Invitae Evidence Modeling of protein sequence and biophysical properties (such as structural, functional, and spatial information, amino acid conservation, physicochemical variation, residue mobility, and thermodynamic stability) indicates that this missense variant is not expected to disrupt MYOM1 protein function with a negative predictive value of 80%. In summary, the available evidence is currently insufficient to determine the role of this variant in disease. Therefore, it has been classified as a Variant of Uncertain Significance.

NM_003803.4(MYOM1):c.2483C>G (p.Ala828Gly)

Gene: MYOM1 (myomesin 1; minus strand). Cytogenetic location: 18p11.31.
Variant type: single nucleotide variant.
Coding change: c.2483C>G on transcript NM_003803.4 (MANE Select); coding-DNA position 2483, C replaced by G.
Protein change: p.Ala828Gly; replaces alanine 828 with glycine.
Molecular consequence: missense variant.
Genome position (GRCh38, 1-based): chr18:3,131,398, G>C on the plus strand (C>G on the coding strand, the complement: MYOM1 is on the minus strand). VCF-style: chr18-3131398-G-C. GRCh37 (hg19) VCF-style: chr18-3131396-G-C.
Other names: c.2483C>G, p.Ala828Gly (NM_019856.2); short protein forms A828G.
Identifiers: ClinVar variation 4775262 (VCV004775262.1).